The following is an entry in ClinVar:

ClinVar aggregate classification (germline): Uncertain significance (1 of 4 stars; one submission).

Allele frequency attached by ClinVar (database versions not stated): gnomAD exomes below 0.00001.
gnomAD v4.1: 2 of 1,614,120 alleles (0.00012%); highest among the groups gnomAD compares: Non-Finnish European, 0.00017%; no homozygotes.

Submission:

Labcorp Genetics (formerly Invitae), Labcorp
Classification: Uncertain significance. Last evaluated: 2025-07-10. Review status: criteria provided, single submitter. Criteria: Invitae Variant Classification Sherloc (09022015). Collection method: clinical testing. Allele origin: germline.
Comment: This sequence change replaces serine, which is neutral and polar, with arginine, which is basic and polar, at codon 1982 of the FREM2 protein (p.Ser1982Arg). This variant is not present in population databases (gnomAD no frequency). This variant has not been reported in the literature in individuals affected with FREM2-related conditions. ClinVar contains an entry for this variant (Variation ID: 1399033). Invitae Evidence Modeling of protein sequence and biophysical properties (such as structural, functional, and spatial information, amino acid conservation, physicochemical variation, residue mobility, and thermodynamic stability) has been performed for this missense variant. However, the output from this modeling did not meet the statistical confidence thresholds required to predict the impact of this variant on FREM2 protein function. In summary, the available evidence is currently insufficient to determine the role of this variant in disease. Therefore, it has been classified as a Variant of Uncertain Significance.

NM_207361.6(FREM2):c.5946C>G (p.Ser1982Arg)

Gene: FREM2 (FRAS1 related extracellular matrix 2; plus strand). Cytogenetic location: 13q13.3.
Variant type: single nucleotide variant.
Coding change: c.5946C>G on transcript NM_207361.6 (MANE Select); coding-DNA position 5946, C replaced by G.
Protein change: p.Ser1982Arg; replaces serine 1982 with arginine.
Molecular consequence: missense variant.
Genome position (GRCh38, 1-based): chr13:38,784,735, C>G. VCF-style: chr13-38784735-C-G. GRCh37 (hg19) VCF-style: chr13-39358872-C-G.
Other names: short protein forms S1982R.
Identifiers: ClinVar variation 1399033 (VCV001399033.6), dbSNP rs2137831772, ClinGen allele CA387886427.